The following is an entry in ClinVar:

ClinVar aggregate classification (germline): Uncertain significance (1 of 4 stars; one submission).

Submission:

Dasa
Classification: Uncertain significance. Last evaluated: 2025-11-07. Review status: criteria provided, single submitter. Criteria: DASA Assertion Criteria. Collection method: clinical testing. Allele origin: germline.
Comment: NM_001199397.3(NEK1):c.3748A>G (p.Ile1250Val) is a missense variant that results in the substitution of isoleucine with valine. This variant is rare in population databases. Computational prediction algorithms are consistent with a benign effect. The currently available literature and clinical evidence are not sufficient to establish a definitive association between this variant and the reported condition. Therefore, this variant is classified as a variant of uncertain significance.

NM_001199397.3(NEK1):c.3748A>G (p.Ile1250Val)

Gene: NEK1 (NIMA related kinase 1; minus strand). Cytogenetic location: 4q33.
Variant type: single nucleotide variant.
Coding change: c.3748A>G on transcript NM_001199397.3 (MANE Select); coding-DNA position 3748, A replaced by G.
Protein change: p.Ile1250Val; replaces isoleucine 1250 with valine.
Molecular consequence: missense variant. On other transcripts: non-coding transcript variant (1).
Genome position (GRCh38, 1-based): chr4:169,400,324, T>C on the plus strand (A>G on the coding strand, the complement: NEK1 is on the minus strand). VCF-style: chr4-169400324-T-C. GRCh37 (hg19) VCF-style: chr4-170321475-T-C.
Other names: c.3616A>G, p.Ile1206Val (NM_001199398.3); c.3457A>G, p.Ile1153Val (NM_001199399.3); c.3532A>G, p.Ile1178Val (NM_001199400.3); c.3748A>G, p.Ile1250Val (NM_001374418.1); c.3664A>G, p.Ile1222Val (NM_001374419.1, NM_012224.4); c.3613A>G, p.Ile1205Val (NM_001374420.1); c.3265A>G, p.Ile1089Val (NM_001374421.1); c.3571A>G, p.Ile1191Val (NM_001440620.1); and 5 more; short protein forms I1015V, I1089V, I1119V, I1147V, I1153V, I1163V, I1178V, I1191V.
Identifiers: ClinVar variation 4886651 (VCV004886651.2).